The following is an entry in ClinVar:

NM_001371727.1(GABRB2):c.848T>C (p.Leu283Pro)

Gene: GABRB2 (gamma-aminobutyric acid type A receptor subunit beta2; minus strand). Cytogenetic location: 5q34.
Variant type: single nucleotide variant.
Coding change: c.848T>C on transcript NM_001371727.1 (MANE Select); coding-DNA position 848, T replaced by C.
Protein change: p.Leu283Pro; replaces leucine 283 with proline.
Molecular consequence: missense variant.
Genome position (GRCh38, 1-based): chr5:161,331,112, A>G on the plus strand (T>C on the coding strand, the complement: GABRB2 is on the minus strand). VCF-style: chr5-161331112-A-G. GRCh37 (hg19) VCF-style: chr5-160758119-A-G.
Other names: c.848T>C, p.Leu283Pro (NM_000813.3, NM_021911.3); short protein forms L283P.
Identifiers: ClinVar variation 973238 (VCV000973238.5), dbSNP rs1753824837, ClinGen allele CA362175492.

ClinVar aggregate classification (germline): Uncertain significance (1 of 4 stars; one submission).

Conditions:
Developmental and epileptic encephalopathy 92. Also called: EPILEPTIC ENCEPHALOPATHY, INFANTILE OR EARLY CHILDHOOD, 2. Identifiers: MedGen C4693362, MONDO:0020631, OMIM 617829.

Submission:

Institute for Genomic Medicine (IGM) Clinical Laboratory, Nationwide Children's Hospital
Classification: Uncertain significance for Developmental and epileptic encephalopathy 92. Last evaluated: 2018-10-16. Review status: criteria provided, single submitter. Criteria: ACMG Guidelines, 2015. Collection method: clinical testing. Allele origin: germline. Affected: yes.
Comment: [ACMG/AMP: PM1, PM2, PP3] This alteration is located in a mutational hotspot and/or critical and well-established functional domain [PM1], is absent from or rarely observed in large-scale population databases [PM2], is predicted to be damaging by multiple functional prediction tools [PP3].